The following is an entry in ClinVar:

NM_000051.4(ATM):c.8268+8T>A

Genes: ATM (ATM serine/threonine kinase; plus strand), C11orf65 (chromosome 11 open reading frame 65; minus strand). Cytogenetic location: 11q22.3.
Variant type: single nucleotide variant.
Coding change: c.8268+8T>A on transcript NM_000051.4 (MANE Select); 8 bases into the intron after coding-DNA position 8268, T replaced by A.
Molecular consequence: intron variant.
Genome position (GRCh38, 1-based): chr11:108,335,969, T>A. VCF-style: chr11-108335969-T-A. GRCh37 (hg19) VCF-style: chr11-108206696-T-A.
Other names: c.8268+8T>A (NM_001351834.2); c.641-26898A>T (NM_001330368.2); c.695-677A>T (NM_001351110.2).
Identifiers: ClinVar variation 793747 (VCV000793747.12), dbSNP rs1263247290, ClinGen allele CA601727615.

ClinVar aggregate classification (germline): Likely benign. Review status: criteria provided, multiple submitters, no conflicts (2 of 4 stars). 2 submissions from 2 submitters: Likely benign (2). Last evaluated 2025-03-02.

Conditions:
Familial cancer of breast. Also called: Hereditary breast cancer; BREAST CANCER, FAMILIAL; hereditary breast carcinoma. Identifiers: Orphanet 227535, MedGen C0346153, MONDO:0016419, OMIM 114480. Disease mechanism: loss of function.
Ataxia-telangiectasia syndrome (AT). Also called: ATAXIA-TELANGIECTASIA, COMPLEMENTATION GROUP A; ATAXIA-TELANGIECTASIA, FRESNO VARIANT; Ataxia-telangiectasia; Ataxia-telangiectasia, complementation group D; AT, COMPLEMENTATION GROUP C; Ataxia-telangiectasia, complementation group E. Identifiers: Orphanet 100, MedGen C0004135, MONDO:0008840, OMIM 208900.

Allele frequency attached by ClinVar (database versions not stated): gnomAD exomes below 0.00001.
gnomAD v4.1: 2 of 1,591,126 alleles (0.00013%); highest among the groups gnomAD compares: African/African-American, 0.0027%; no homozygotes.

Submissions (2):

Labcorp Genetics (formerly Invitae), Labcorp
Classification: Likely benign for Ataxia-telangiectasia syndrome. Last evaluated: 2025-03-02. Review status: criteria provided, single submitter. Criteria: Invitae Variant Classification Sherloc (09022015). Collection method: clinical testing. Allele origin: germline.

Myriad Genetics, Inc.
Classification: Likely benign for Familial cancer of breast. Last evaluated: 2024-06-19. Review status: criteria provided, single submitter. Criteria: Myriad Autosomal Dominant, Autosomal Recessive and X-Linked Classification Criteria (2023). Collection method: clinical testing. Allele origin: unknown.
Comment: This variant is considered likely benign. This variant is intronic and is not expected to impact mRNA splicing.